The following is an entry in ClinVar:

ClinVar aggregate classification (germline): Uncertain significance (1 of 4 stars; one submission).

gnomAD v4.1: 14 of 1,612,012 alleles (0.00087%); highest among the groups gnomAD compares: South Asian, 0.0033%; no homozygotes.

Submission:

Labcorp Genetics (formerly Invitae), Labcorp
Classification: Uncertain significance. Last evaluated: 2024-06-23. Review status: criteria provided, single submitter. Criteria: Invitae Variant Classification Sherloc (09022015). Collection method: clinical testing. Allele origin: germline.
Comment: This sequence change replaces arginine, which is basic and polar, with cysteine, which is neutral and slightly polar, at codon 1091 of the TAOK2 protein (p.Arg1091Cys). The frequency data for this variant in the population databases is considered unreliable, as metrics indicate poor data quality at this position in the gnomAD database. This variant has not been reported in the literature in individuals affected with TAOK2-related conditions. An algorithm developed to predict the effect of missense changes on protein structure and function (PolyPhen-2) suggests that this variant is likely to be tolerated. In summary, the available evidence is currently insufficient to determine the role of this variant in disease. Therefore, it has been classified as a Variant of Uncertain Significance.

NM_016151.4(TAOK2):c.3271C>T (p.Arg1091Cys)

Gene: TAOK2 (TAO kinase 2; plus strand). Cytogenetic location: 16p11.2.
Variant type: single nucleotide variant.
Coding change: c.3271C>T on transcript NM_016151.4 (MANE Select); coding-DNA position 3271, C replaced by T.
Protein change: p.Arg1091Cys; replaces arginine 1091 with cysteine.
Molecular consequence: missense variant. On other transcripts: intron variant (1).
Genome position (GRCh38, 1-based): chr16:29,987,543, C>T. VCF-style: chr16-29987543-C-T. GRCh37 (hg19) VCF-style: chr16-29998864-C-T.
Other names: c.2932C>T, p.Arg978Cys (NM_001252043.2); c.2232+1039C>T (NM_004783.4); short protein forms R1091C, R978C.
Identifiers: ClinVar variation 3684082 (VCV003684082.2).